The following is an entry in ClinVar:

ClinVar aggregate classification (germline): Conflicting classifications of pathogenicity. Review status: criteria provided, conflicting classifications (1 of 4 stars). 3 submissions from 3 submitters: Uncertain significance (2); Likely benign (1). Last evaluated 2025-07-27.

Conditions:
Macrothrombocytopenia and granulocyte inclusions with or without nephritis or sensorineural hearing loss (MATINS). Also called: DOHLE LEUKOCYTE INCLUSIONS WITH GIANT PLATELETS; MAY-HEGGLIN ANOMALY; MACROTHROMBOCYTOPENIA WITH LEUKOCYTE INCLUSIONS; BLEEDING DISORDER, PLATELET-TYPE, 6; SEBASTIAN PLATELET SYNDROME; MACROTHROMBOCYTOPENIA WITH DISPERSED LEUKOCYTIC INCLUSIONS. Identifiers: Orphanet 182050, MedGen C5200934, MONDO:0015912, OMIM 155100.
Autosomal dominant nonsyndromic hearing loss 17. Also called: Autosomal dominant nonsyndromic deafness 17; Deafness, autosomal dominant 17. Identifiers: Orphanet 90635, MedGen C1863659, MONDO:0011350, OMIM 603622.

Allele frequency attached by ClinVar (database versions not stated): ExAC 0.00003; gnomAD 0.00003; gnomAD exomes 0.00003; TOPMed 0.00003; 1000 Genomes Project 30x 0.00016; 1000 Genomes Project 0.00020.
gnomAD v4.1: 28 of 1,610,150 alleles (0.0017%); highest among the groups gnomAD compares: South Asian, 0.0077%; 1 homozygote.

Submissions (3):

Labcorp Genetics (formerly Invitae), Labcorp
Classification: Likely benign. Last evaluated: 2025-07-27. Review status: criteria provided, single submitter. Criteria: Invitae Variant Classification Sherloc (09022015). Collection method: clinical testing. Allele origin: germline.

GeneDx
Classification: Uncertain significance. Last evaluated: 2024-11-13. Review status: criteria provided, single submitter. Criteria: GeneDx Variant Classification Process June 2021. Collection method: clinical testing. Allele origin: germline. Affected: yes.
Comment: In silico analysis supports that this missense variant has a deleterious effect on protein structure/function; Has not been previously published as pathogenic or benign to our knowledge

Fulgent Genetics
Classification: Uncertain significance for Macrothrombocytopenia and granulocyte inclusions with or without nephritis or sensorineural hearing loss; Autosomal dominant nonsyndromic hearing loss 17. Last evaluated: 2022-01-08. Review status: criteria provided, single submitter. Criteria: ACMG Guidelines, 2015. Collection method: clinical testing. Allele origin: unknown.

NM_002473.6(MYH9):c.5173C>T (p.Arg1725Trp)

Gene: MYH9 (myosin heavy chain 9; minus strand). Cytogenetic location: 22q12.3.
Variant type: single nucleotide variant.
Coding change: c.5173C>T on transcript NM_002473.6 (MANE Select); coding-DNA position 5173, C replaced by T.
Protein change: p.Arg1725Trp; replaces arginine 1725 with tryptophan.
Molecular consequence: missense variant.
Genome position (GRCh38, 1-based): chr22:36,285,759, G>A on the plus strand (C>T on the coding strand, the complement: MYH9 is on the minus strand). VCF-style: chr22-36285759-G-A. GRCh37 (hg19) VCF-style: chr22-36681805-G-A.
Other names: c.5173C>T (NM_002473.4); short protein forms R1725W.
Identifiers: ClinVar variation 1380025 (VCV001380025.10), dbSNP rs547770783, ClinGen allele CA10209129.